The following is an entry in ClinVar:

NM_033380.3(COL4A5):c.2693_2697del (p.Met898fs)

Gene: COL4A5 (collagen type IV alpha 5 chain; plus strand). Cytogenetic location: Xq22.3.
Variant type: Deletion.
Coding change: c.2693_2697del on transcript NM_033380.3 (MANE Select); coding-DNA positions 2693 to 2697, 5 bases deleted (TGGGT; older notation c.2693_2697delTGGGT).
Protein change: p.Met898fs; shifts the reading frame from methionine 898.
Molecular consequence: frameshift variant.
Genome position (GRCh38, 1-based): chrX:108,621,818-108,621,822, TGGGT deleted. VCF-style (leftmost placement, unchanged base first): chrX-108621817-ATGGGT-A. GRCh37 (hg19) VCF-style: chrX-107865047-ATGGGT-A.
Other names: c.2693_2697del, p.Met898fs (NM_000495.5); short protein forms M898fs.
Identifiers: ClinVar variation 1726077 (VCV001726077.2), dbSNP rs2524403583, ClinGen allele CA2580100195.

ClinVar aggregate classification (germline): Likely pathogenic (1 of 4 stars; one submission).

Conditions:
X-linked Alport syndrome (ATS1). Also called: NEPHROPATHY AND DEAFNESS, X-LINKED; COL4A5-Related Nephropathy. Identifiers: Orphanet 63, Orphanet 88917, MedGen C4746986, MONDO:0010520, OMIM 301050.

Submission:

Myriad Genetics, Inc.
Classification: Likely pathogenic for X-linked Alport syndrome. Last evaluated: 2022-05-18. Review status: criteria provided, single submitter. Criteria: Myriad Women's Health Autosomal Recessive and X-Linked Classification Criteria (2021). Collection method: clinical testing. Allele origin: unknown.
Comment: NM_000495.4(COL4A5):c.2693_2697del5(M898Nfs*23) is expected to be pathogenic in the context of X-linked Alport syndrome. This variant is predicted to lead to an abnormal or absent protein product due to the creation of a premature termination codon in COL4A5, a gene where loss-of-function variants are known to be pathogenic. Please note: this variant was assessed in the context of healthy population screening.